The following is an entry in ClinVar:

ClinVar aggregate classification (germline): Uncertain significance (1 of 4 stars; one submission).

Submission:

Ambry Genetics
Classification: Uncertain significance. Last evaluated: 2025-06-23. Review status: criteria provided, single submitter. Criteria: Ambry Variant Classification Scheme 2023. Collection method: clinical testing. Allele origin: germline.
Comment: The p.Q790H variant (also known as c.2370A>T), located in coding exon 10 of the WNK2 gene, results from an A to T substitution at nucleotide position 2370. The glutamine at codon 790 is replaced by histidine, an amino acid with highly similar properties. This amino acid position is conserved. In addition, this alteration is predicted to be tolerated by in silico analysis. Based on the available evidence, the clinical significance of this variant remains unclear.

NM_006648.4(WNK2):c.2370A>T (p.Gln790His)

Gene: WNK2 (WNK lysine deficient protein kinase 2; plus strand). Cytogenetic location: 9q22.31.
Variant type: single nucleotide variant.
Coding change: c.2370A>T on transcript NM_006648.4 (MANE Select); coding-DNA position 2370, A replaced by T.
Protein change: p.Gln790His; replaces glutamine 790 with histidine.
Molecular consequence: missense variant.
Genome position (GRCh38, 1-based): chr9:93,257,127, A>T. VCF-style: chr9-93257127-A-T. GRCh37 (hg19) VCF-style: chr9-96019409-A-T.
Other names: c.2370A>T, p.Gln790His (NM_001282394.3); short protein forms Q790H.
Identifiers: ClinVar variation 4201545 (VCV004201545.1).